The following is an entry in ClinVar:

NM_000127.3(EXT1):c.1019G>A (p.Arg340His)

Gene: EXT1 (exostosin glycosyltransferase 1; minus strand). Cytogenetic location: 8q24.11.
Variant type: single nucleotide variant.
Coding change: c.1019G>A on transcript NM_000127.3 (MANE Select); coding-DNA position 1019, G replaced by A.
Protein change: p.Arg340His; replaces arginine 340 with histidine.
Molecular consequence: missense variant.
Genome position (GRCh38, 1-based): chr8:117,837,145, C>T on the plus strand (G>A on the coding strand, the complement: EXT1 is on the minus strand). VCF-style: chr8-117837145-C-T. GRCh37 (hg19) VCF-style: chr8-118849384-C-T.
Other names: short protein forms R340H.
Identifiers: ClinVar variation 265129 (VCV000265129.28), dbSNP rs119103287, ClinGen allele CA4854266.

ClinVar aggregate classification (germline): Pathogenic. Review status: criteria provided, multiple submitters, no conflicts (2 of 4 stars). 15 submissions from 15 submitters: Pathogenic (13). 2 of the submissions do not count toward it. Last evaluated 2026-04-16.

Conditions:
EXT1-related disorders.
EXT1-related disorder. Also called: EXT1-related condition.
Exostoses, multiple, type 1 (EXT1). Also called: Hereditary Multiple Osteochondromatosis, Type I; EXOSTOSES, MULTIPLE, TYPE I. Identifiers: MedGen CN263289, MONDO:0007585, OMIM 133700.
Inborn genetic diseases. Identifiers: MedGen C0950123, MeSH D030342.
Multiple congenital exostosis (EXT). Also called: Multiple exostoses; Hereditary multiple exostoses; Hereditary multiple exostosis; Hereditary multiple osteochondromas; MULTIPLE CARTILAGINOUS EXOSTOSES; Multiple osteochondromas. Identifiers: Orphanet 321, MedGen C0015306, MONDO:0005508, HP:0002762.

Allele frequency attached by ClinVar (database versions not stated): gnomAD exomes below 0.00001; ExAC 0.00001.
gnomAD v4.1: 4 of 1,613,978 alleles (0.00025%); highest among the groups gnomAD compares: African/African-American, 0.0013%; no homozygotes.

Submissions 1 to 9 of 15:

PreventionGenetics, part of Exact Sciences
Classification: Pathogenic for EXT1-related condition. Last evaluated: 2026-04-16. Review status: criteria provided, single submitter. Criteria: ACMG Guidelines, 2015. Collection method: clinical testing. Allele origin: germline.
Comment: The EXT1 c.1019G>A variant is predicted to result in the amino acid substitution p.Arg340His. This variant has been reported to be causative for hereditary multiple osteochondromas (Sarrión et al. 2013. PubMed ID: 23439489; Jamsheer et al. 2014. PubMed ID: 24532482; Ishimaru et al. 2016. PubMed ID: 26961984). Functional studies on the variant have determined its role in decreased arteriolar endothelial glycocalyx, improved flow-mediated dilation, resulting in inactive protein production (Cheung et al. 2001. PubMed ID: 11391482; Mooij et al. 2014. PubMed ID: 25468659). The Arg340 residue, located within “Exostosin-like” domain of the EXT1 protein, has been highly conserved during evolution (Alamut Visual v2.11). Of note, there are reports of other pathogenic variants (p.Arg340Ser, p.Arg340Gly, p.Arg340Cys, p.Arg340Pro, p.Arg340Leu) involving the same amino acid residue of EXT1 (HGMD, Human Gene Mutation Database). This variant is reported in 0.00088% of alleles in individuals of European (Non-Finnish) descent in gnomAD. This variant is interpreted as pathogenic.

CeGaT Center for Human Genetics Tuebingen
Classification: Pathogenic. Last evaluated: 2026-03-01. Review status: criteria provided, single submitter. Criteria: CeGaT Center For Human Genetics Tuebingen Variant Classification Criteria Version 2. Collection method: clinical testing. Allele origin: germline. Affected: yes. Observed: 1 variant allele.
Comment: EXT1: PS4, PM1, PM2, PM5, PM6, PP3, PS3:Supporting

Labcorp Genetics (formerly Invitae), Labcorp
Classification: Pathogenic for Multiple congenital exostosis. Last evaluated: 2026-01-27. Review status: criteria provided, single submitter. Criteria: Invitae Variant Classification Sherloc (09022015). Collection method: clinical testing. Allele origin: germline.
Comment: This sequence change replaces arginine, which is basic and polar, with histidine, which is basic and polar, at codon 340 of the EXT1 protein (p.Arg340His). This variant is present in population databases (rs119103287, gnomAD 0.0009%). This missense change has been observed in individual(s) with hereditary multiple osteochondromas, also known as hereditary multiple exostoses (PMID: 9521425, 10713884, 19810120, 23439489, 24532482, 25468659, 26239617, 26961984). In at least one individual the variant was observed to be de novo. It has also been observed to segregate with disease in related individuals. Invitae Evidence Modeling of clinical and family history, age, sex, and reported ancestry of multiple individuals with this EXT1 variant has been performed. This variant is expected to be pathogenic with a positive predictive value of at least 99%. This is a validated machine learning model that incorporates the clinical features of 66,185 individuals referred to our laboratory for EXT1 testing. ClinVar contains an entry for this variant (Variation ID: 265129). Invitae Evidence Modeling of protein sequence and biophysical properties (such as structural, functional, and spatial information, amino acid conservation, physicochemical variation, residue mobility, and thermodynamic stability) has been performed for this missense variant. However, the output from this modeling did not meet the statistical confidence thresholds required to predict the impact of this variant on EXT1 protein function. Experimental studies have shown that this missense change affects EXT1 function (PMID: 11391482). For these reasons, this variant has been classified as Pathogenic.

Ambry Genetics
Classification: Pathogenic for Inborn genetic diseases. Last evaluated: 2025-12-17. Review status: criteria provided, single submitter. Criteria: Ambry Variant Classification Scheme 2023. Collection method: clinical testing. Allele origin: germline.
Comment: The c.1019G>A (p.R340H) alteration is located in exon 2 (coding exon 2) of the EXT1 gene. This alteration results from a G to A substitution at nucleotide position 1019, causing the arginine (R) at amino acid position 340 to be replaced by a histidine (H). Based on data from gnomAD, this allele has an overall frequency of <0.001% (1/251146) total alleles studied. The highest observed frequency was 0.001% (1/113492) of European (non-Finnish) alleles. This variant was reported in individual(s) with features consistent with EXT1-related multiple osteochondromas (Raskind, 1998; Dobson-Stone, 2000; Alvarez, 2007; Sarri&oacute;n, 2013; Mooij, 2014; Jamsheer, 2014; Bozzola, 2015; Ishimaru, 2016; Li, 2018; Fusco, 2019; Wang, 2020; Fan, 2021; Mohaidat, 2021; G&uuml;ne, 2023). This amino acid position is highly conserved in available vertebrate species. Functional studies suggest defective heparan sulfate biosynthesis; however, additional evidence is needed to confirm this finding (Cheung, 2001). This alteration is predicted to be deleterious by in silico analysis. Based on the available evidence, this alteration is classified as pathogenic.

Department of Human Genetics, Hannover Medical School
Classification: Pathogenic for Exostoses, multiple, type 1. Last evaluated: 2025-02-21. Review status: criteria provided, single submitter. Criteria: ACMG Guidelines, 2015. Collection method: clinical testing. Allele origin: germline. Inheritance: Autosomal dominant inheritance. Affected: yes.
Comment: ACMG: PS3_Supporting, PS4_Moderate, PM1, PM6, PP3_Moderate, PP1, PP4_Strong

Suzhou Clinical Center for Rare Diseases in Children, Children's Hospital of Soochow University
Classification: Pathogenic for Multiple congenital exostosis. Last evaluated: 2024-09-01. Review status: criteria provided, single submitter. Criteria: ACMG Guidelines, 2015. Collection method: clinical testing. Allele origin: de novo. Affected: yes.
Comment: This variant has been identified in multiple cases of osteochondromas (PMID:10713884, 11391482, 19810120, 24532482, 25468659, 26239617, 33552269,9521425)(PS4). The gnomAD database does not include this variant's frequency in the population (PM2_Supporting). This variant results in a different amino acid change than the pathogenic variant c.1019G>T(p.R340L) at the same position (PM5). According to the literature, this variant co-segregates with the disease in family (PMID: 33552269)(PP1). Revel score is 0.84 (PP3_Moderate). According to the ACMG guidelines, this variant is interpreted as pathogenic (PS2+PS4+PM2_Supporting +PM5+PP1+PP3).

Dasa
Classification: Pathogenic. Last evaluated: 2024-07-03. Review status: criteria provided, single submitter. Criteria: DASA Assertion Criteria. Collection method: clinical testing. Allele origin: germline.
Comment: NM_000127.3(EXT1):c.1019G>A (p.Arg340His) is a missense variant that results in the substitution of arginine with histidine. Functional evidence supports a deleterious effect on the gene or gene product (PMID: 11391482; PMID: 9521425; PMID: 19810120; PMID: 25468659; PMID: 26239617). This variant has been recurrently observed in individuals with related phenotype (PMID: 11391482; PMID: 9521425; PMID: 19810120; PMID: 25468659; PMID: 26239617). Segregation evidence has been reported in affected families. The variant is present at low frequency in population datasets. Based on the available data, this variant is classified as pathogenic.

Blueprint Genetics
Classification: Pathogenic for EXT1-related disorders. Last evaluated: 2023-07-12. Review status: criteria provided, single submitter. Criteria: ACMG Guidelines, 2015. Collection method: clinical testing. Allele origin: germline. Affected: yes. Observed: 5 variant alleles.

3billion
Classification: Pathogenic for Exostoses, multiple, type 1. Last evaluated: 2022-05-22. Review status: criteria provided, single submitter. Criteria: ACMG Guidelines, 2015. Collection method: clinical testing. Allele origin: germline. Affected: yes. Observed: 1 heterozygote.
Comment: The variant is observed at an extremely low frequency in the gnomAD v2.1.1 dataset (total allele frequency: <0.001%). Protein truncation variants are a common disease-causing mechanism. In silico tool predictions suggest damaging effect of the variant on gene or gene product (REVEL: 0.84; 3Cnet: 0.78). Same nucleotide change resulting in same amino acid change has been previously reported as pathogenic/likely pathogenic with strong evidence (ClinVar ID: VCV000265129). The variant has been observed in multiple (>3) similarly affected unrelated individuals (PMID:19810120). Different missense changes at the same codon (p.Arg340Cys, p.Arg340Gly, p.Arg340Leu) have been reported as pathogenic/likely pathogenic with strong evidence (ClinVar ID: VCV000002495, VCV000002500, VCV000988576). Therefore, this variant is classified as pathogenic according to the recommendation of ACMG/AMP guideline.